The following is an entry in ClinVar:

NM_018417.6(ADCY10):c.3746T>C (p.Phe1249Ser)

Gene: ADCY10 (adenylate cyclase 10; minus strand). Cytogenetic location: 1q24.2.
Variant type: single nucleotide variant.
Coding change: c.3746T>C on transcript NM_018417.6 (MANE Select); coding-DNA position 3746, T replaced by C.
Protein change: p.Phe1249Ser; replaces phenylalanine 1249 with serine.
Molecular consequence: missense variant.
Genome position (GRCh38, 1-based): chr1:167,829,271, A>G on the plus strand (T>C on the coding strand, the complement: ADCY10 is on the minus strand). VCF-style: chr1-167829271-A-G. GRCh37 (hg19) VCF-style: chr1-167798509-A-G.
Other names: c.3746T>C (NM_018417.4); c.3287T>C, p.Phe1096Ser (NM_001167749.3); c.3470T>C, p.Phe1157Ser (NM_001297772.2); short protein forms F1157S, F1249S, F1096S.
Identifiers: ClinVar variation 1496456 (VCV001496456.8), dbSNP rs368942743, ClinGen allele CA1227267.

ClinVar aggregate classification (germline): Uncertain significance. Review status: criteria provided, multiple submitters, no conflicts (2 of 4 stars). 3 submissions from 3 submitters: Uncertain significance (3). Last evaluated 2021-12-20.

Conditions:
Familial idiopathic hypercalciuria (HCA2). Also called: Hypercalciuria, absorptive, susceptibility to; Hypercalciuria, absorptive, 2. Identifiers: MedGen C0342639, MONDO:0007748, OMIM 143870.

Allele frequency attached by ClinVar (database versions not stated): ExAC 0.00001; gnomAD exomes 0.00002 and 0.00004; TOPMed 0.00003; gnomAD 0.00005 and 0.00006; ESP Exome Variant Server 0.00008.
gnomAD v4.1: 68 of 1,613,928 alleles (0.0042%); highest among the groups gnomAD compares: Non-Finnish European, 0.0058%; no homozygotes.

Submissions (3):

Ambry Genetics
Classification: Uncertain significance. Last evaluated: 2021-12-20. Review status: criteria provided, single submitter. Criteria: Ambry Variant Classification Scheme 2023. Collection method: clinical testing. Allele origin: germline.

Fulgent Genetics
Classification: Uncertain significance for Familial idiopathic hypercalciuria. Last evaluated: 2021-11-24. Review status: criteria provided, single submitter. Criteria: ACMG Guidelines, 2015. Collection method: clinical testing. Allele origin: unknown.

Labcorp Genetics (formerly Invitae), Labcorp
Classification: Uncertain significance. Last evaluated: 2021-08-15. Review status: criteria provided, single submitter. Criteria: Invitae Variant Classification Sherloc (09022015). Collection method: clinical testing. Allele origin: germline.
Comment: In summary, the available evidence is currently insufficient to determine the role of this variant in disease. Therefore, it has been classified as a Variant of Uncertain Significance. Algorithms developed to predict the effect of missense changes on protein structure and function are either unavailable or do not agree on the potential impact of this missense change (SIFT: "Deleterious"; PolyPhen-2: "Benign"; Align-GVGD: "Class C0"). This variant has not been reported in the literature in individuals affected with ADCY10-related conditions. This variant is present in population databases (rs368942743, ExAC 0.001%). This sequence change replaces phenylalanine with serine at codon 1249 of the ADCY10 protein (p.Phe1249Ser). The phenylalanine residue is highly conserved and there is a large physicochemical difference between phenylalanine and serine.